The following is an entry in ClinVar:

NM_014633.5(CTR9):c.845A>G (p.Lys282Arg)

Gene: CTR9 (CTR9 component of Paf1/RNA polymerase II complex; plus strand). Cytogenetic location: 11p15.4.
Variant type: single nucleotide variant.
Coding change: c.845A>G on transcript NM_014633.5 (MANE Select); coding-DNA position 845, A replaced by G.
Protein change: p.Lys282Arg; replaces lysine 282 with arginine.
Molecular consequence: missense variant.
Genome position (GRCh38, 1-based): chr11:10,762,050, A>G. VCF-style: chr11-10762050-A-G. GRCh37 (hg19) VCF-style: chr11-10783597-A-G.
Other names: c.845A>G, p.Lys282Arg (NM_001346279.2); short protein forms K282R.
Identifiers: ClinVar variation 3730947 (VCV003730947.3).

ClinVar aggregate classification (germline): Uncertain significance. Review status: criteria provided, multiple submitters, no conflicts (2 of 4 stars). 2 submissions from 2 submitters: Uncertain significance (2). Last evaluated 2025-06-17.

Conditions:
Predisposition to Wilms tumor.

gnomAD v4.1: 2 of 1,569,552 alleles (0.00013%); highest among the groups gnomAD compares: South Asian, 0.0012%; no homozygotes.

Submissions (2):

St. Jude Molecular Pathology, St. Jude Children's Research Hospital
Classification: Uncertain significance for Predisposition to Wilms tumor. Last evaluated: 2025-06-17. Review status: criteria provided, single submitter. Criteria: St. Jude Assertion Criteria 2020. Collection method: clinical testing. Allele origin: germline.
Comment: The CTR9 c.845A>G p.(Lys282Arg) missense change is absent in gnomAD v2.1.1. The in silico tool REVEL predicts a benign effect on protein function, but to our knowledge this prediction has not been confirmed by functional studies. To our knowledge, this variant has not been reported in individuals with Wilms tumor. In summary, the evidence currently available is insufficient to determine the clinical significance of this variant. It has therefore been classified as of uncertain significance.

GeneDx
Classification: Uncertain significance. Last evaluated: 2024-08-14. Review status: criteria provided, single submitter. Criteria: GeneDx Variant Classification Process June 2021. Collection method: clinical testing. Allele origin: germline. Affected: yes.
Comment: Not observed at significant frequency in large population cohorts (gnomAD); In silico analysis indicates that this missense variant does not alter protein structure/function; Has not been previously published as pathogenic or benign to our knowledge